The following is an entry in ClinVar:

ClinVar aggregate classification (germline): Pathogenic. Review status: reviewed by expert panel (3 of 4 stars). 2 submissions from 2 submitters: Pathogenic (1). 1 of the submissions does not count toward it. Last evaluated 2025-03-26.

Conditions:
Hereditary thrombocytopenia and hematologic cancer predisposition syndrome. Identifiers: Orphanet 71290, MedGen CN281654, MONDO:0011071.

Submissions (2):

ClinGen Myeloid Malignancy Variant Curation Expert Panel
Classification: Pathogenic for Hereditary thrombocytopenia and hematologic cancer predisposition syndrome. Last evaluated: 2025-03-26. Review status: reviewed by expert panel. Criteria: ClinGen MyeloMalig ACMG Specifications v2. Collection method: curation. Allele origin: germline. Inheritance: Autosomal dominant inheritance.
Comment: NM_001754.5(RUNX1):c.367dup (p.Asp123fs) is a frameshift variant which is predicted to undergo nonsense-mediated decay in a gene in which loss-of-function is an established mechanism (PVS1). This variant is downstream of c.98 (PM5_supporting) and is completely absent from all population databases with at least 20x coverage for RUNX1 (PM2_supporting). In summary, this variant meets criteria to be classified as pathogenic. ACMG/AMP criteria applied, as specified by the Myeloid Malignancy Variant Curation Expert Panel for RUNX1: PVS1, PM2_supporting, PM5_supporting.

GeneDx
Classification: Likely pathogenic. Last evaluated: 2022-09-29. Review status: criteria provided, single submitter. Criteria: GeneDx Variant Classification Process June 2021. Collection method: clinical testing. Allele origin: germline. Affected: yes. Not counted in ClinVar's aggregate classification.
Comment: Frameshift variant predicted to result in protein truncation or nonsense mediated decay in a gene for which loss of function is a known mechanism of disease; Not observed at significant frequency in large population cohorts (gnomAD); Has not been previously published as pathogenic or benign to our knowledge

NM_001754.5(RUNX1):c.367dup (p.Asp123fs)

Genes: RUNX1 (RUNX family transcription factor 1; minus strand), RUNX1-AS1 (RUNX1 antisense RNA 1; plus strand). Cytogenetic location: 21q22.12.
Variant type: Duplication.
Coding change: c.367dup on transcript NM_001754.5 (MANE Select); coding-DNA position 367, one base duplicated (G; older notation c.367dupG).
Protein change: p.Asp123fs; shifts the reading frame from aspartic acid 123.
Molecular consequence: frameshift variant.
Genome position (GRCh38, 1-based): chr21:34,880,698, C duplicated on the plus strand (G on the coding strand, the reverse complement: RUNX1 is on the minus strand); the first of 4 consecutive C bases (chr21:34,880,698-34,880,701); duplicating any one gives the same sequence. VCF-style (leftmost placement, unchanged base first): chr21-34880697-T-TC. GRCh37 (hg19) VCF-style: chr21-36252994-T-TC.
Other names: NM_001754.5(RUNX1):c.367dup; p.Asp123fs; c.286dup, p.Asp96fs (NM_001001890.3, NM_001122607.2); c.367dup (NM_001754.4); short protein forms D123fs, D96fs.
Identifiers: ClinVar variation 3342643 (VCV003342643.2).
Genomic context (GRCh38, chr21:34,880,697, plus strand): 5'-TCAGCCGAGTAGTTTTCATCATTGCCAGCCATCACAGTGACCAGAGTGCCATCTGGAACA[T>TC]CCCCTAGGGCCACCACCTAAACACCAGTCAAAGGACAAATGCAGACATCAGGGATGTTAT-3'